The following is an entry in ClinVar:

NM_001009944.3(PKD1):c.4831G>A (p.Val1611Ile)

Gene: PKD1 (polycystin 1, transient receptor potential channel interacting; minus strand). Cytogenetic location: 16p13.3.
Variant type: single nucleotide variant.
Coding change: c.4831G>A on transcript NM_001009944.3 (MANE Select); coding-DNA position 4831, G replaced by A.
Protein change: p.Val1611Ile; replaces valine 1611 with isoleucine.
Molecular consequence: missense variant.
Genome position (GRCh38, 1-based): chr16:2,110,336, C>T on the plus strand (G>A on the coding strand, the complement: PKD1 is on the minus strand). VCF-style: chr16-2110336-C-T. GRCh37 (hg19) VCF-style: chr16-2160337-C-T.
Other names: c.4831G>A, p.Val1611Ile (NM_000296.4); short protein forms V1611I.
Identifiers: ClinVar variation 4539985 (VCV004539985.3).
Genomic context (GRCh38, chr16:2,110,336, plus strand): 5'-GCTGCAGGACATAGACGAAGATGCTGTCCTGGGCGGAGCCCACCTCGTTCTCAGCCGTGA[C>T]GATGATATTGAAGGTGCCCACGGAGCGGAAGGTGTAAGAGATGGTAGGACCCCCAGGGAT-3'
Protein context (NP_001009944.3, residues 1601-1621): FRSVGTFNII[Val1611Ile]TAENEVGSAQ

ClinVar aggregate classification (germline): Uncertain significance. Review status: criteria provided, multiple submitters, no conflicts (2 of 4 stars). 2 submissions from 2 submitters: Uncertain significance (2). Last evaluated 2026-07-01.

gnomAD v4.1: 50 of 1,612,636 alleles (0.0031%); highest among the groups gnomAD compares: African/African-American, 0.024%; no homozygotes.

Submissions (2):

GeneDx
Classification: Uncertain significance. Last evaluated: 2026-07-01. Review status: criteria provided, single submitter. Criteria: GeneDx Variant Classification Process June 2021. Collection method: clinical testing. Allele origin: germline.
Comment: Reported with a second PKD1 variant (phase unknown) in unrelated patients with polycystic kidney disease in published literature; this variant has been described as a hypomorphic variant (PMID: 36706243, 37372410, 26139440); In silico analysis suggests that this missense variant does not alter protein structure/function; This variant is associated with the following publications: (PMID: 37372410, 36706243, 26139440, 36573973)

Blueprint Genetics
Classification: Uncertain significance. Last evaluated: 2023-10-23. Review status: criteria provided, single submitter. Criteria: ACMG Guidelines, 2015. Collection method: clinical testing. Allele origin: germline.